The following is an entry in ClinVar:

ClinVar aggregate classification (germline): Benign/Likely benign. Review status: criteria provided, multiple submitters, no conflicts (2 of 4 stars). 12 submissions from 12 submitters: Benign (4); Likely benign (5). 3 of the submissions do not count toward it. Last evaluated 2026-01-02.

Conditions:
Familial colorectal cancer type X. Identifiers: Orphanet 440437, MedGen C3896578, MONDO:0018604.
Polymerase proofreading-related adenomatous polyposis. Also called: Polymerase proofreading associated polyposis; Polymerase proofreading–associated polyposis (PPAP). Identifiers: Orphanet 447877, MedGen C5202613, MONDO:0018653.
POLE-related disorder. Also called: POLE-related condition; POLE-related disorders.
Hereditary cancer-predisposing syndrome. Also called: Hereditary Cancer Syndrome; Tumor predisposition; Neoplastic Syndromes, Hereditary; Hereditary neoplastic syndrome. Identifiers: Orphanet 140162, MedGen C0027672, MeSH D009386, MONDO:0015356.

Allele frequency attached by ClinVar (database versions not stated): TOPMed 0.00006; 1000 Genomes Project 30x 0.00016; 1000 Genomes Project 0.00020; ExAC 0.00022; gnomAD exomes 0.00022 and 0.00033.
gnomAD v4.1: 356 of 1,614,060 alleles (0.022%); highest among the groups gnomAD compares: Non-Finnish European, 0.014%; 1 homozygote.

Submissions (12):

Labcorp Genetics (formerly Invitae), Labcorp
Classification: Benign. Last evaluated: 2026-01-02. Review status: criteria provided, single submitter. Criteria: Invitae Variant Classification Sherloc (09022015). Collection method: clinical testing. Allele origin: germline.

Center for Genomic Medicine, Rigshospitalet, Copenhagen University Hospital
Classification: Likely benign. Last evaluated: 2025-03-04. Review status: criteria provided, single submitter. Criteria: ACMG Guidelines, 2015. Collection method: clinical testing. Allele origin: germline.

Blueprint Genetics
Classification: Likely benign. Last evaluated: 2024-09-13. Review status: criteria provided, single submitter. Criteria: ACMG Guidelines, 2015. Collection method: clinical testing. Allele origin: germline.

Department of Pathology and Laboratory Medicine, Sinai Health System
Classification: Likely benign for Polymerase proofreading-related adenomatous polyposis; Familial colorectal cancer type X. Last evaluated: 2023-01-10. Review status: criteria provided, single submitter. Criteria: ACMG Guidelines, 2015. Collection method: clinical testing. Allele origin: germline. Affected: yes.

Women's Health and Genetics/Laboratory Corporation of America, LabCorp
Classification: Benign. Last evaluated: 2022-12-11. Review status: criteria provided, single submitter. Criteria: LabCorp Variant Classification Summary - May 2015. Collection method: clinical testing. Allele origin: germline.

Sema4
Classification: Benign for Hereditary cancer-predisposing syndrome. Last evaluated: 2021-02-23. Review status: criteria provided, single submitter. Criteria: Sema4 Curation Guidelines. Collection method: curation. Allele origin: germline.

GeneDx
Classification: Likely benign. Last evaluated: 2021-02-18. Review status: criteria provided, single submitter. Criteria: GeneDx Variant Classification Process June 2021. Collection method: clinical testing. Allele origin: germline. Affected: yes.

Quest Diagnostics Nichols Institute San Juan Capistrano
Classification: Benign. Last evaluated: 2018-10-17. Review status: criteria provided, single submitter. Criteria: Quest Diagnostics criteria. Collection method: clinical testing. Allele origin: germline.

Ambry Genetics
Classification: Likely benign for Hereditary cancer-predisposing syndrome. Last evaluated: 2016-01-19. Review status: criteria provided, single submitter. Criteria: Ambry Variant Classification Scheme 2023. Collection method: clinical testing. Allele origin: germline.

PreventionGenetics, part of Exact Sciences
Classification: Likely benign for POLE-related condition. Last evaluated: 2019-07-08. Review status: no assertion criteria provided. Collection method: clinical testing. Allele origin: germline. Not counted in ClinVar's aggregate classification.
Comment: This variant is classified as likely benign based on ACMG/AMP sequence variant interpretation guidelines (Richards et al. 2015 PMID: 25741868, with internal and published modifications).

Clinical Genetics DNA and cytogenetics Diagnostics Lab, Erasmus MC, Erasmus Medical Center
Classification: Likely benign. Review status: no assertion criteria provided. Collection method: clinical testing. Allele origin: germline. Affected: yes. Study: VKGL Data-share Consensus. Not counted in ClinVar's aggregate classification.

Genome Diagnostics Laboratory, Amsterdam University Medical Center
Classification: Likely benign. Review status: no assertion criteria provided. Collection method: clinical testing. Allele origin: germline. Affected: yes. Study: VKGL Data-share Consensus. Not counted in ClinVar's aggregate classification.

NM_006231.4(POLE):c.6714C>T (p.Cys2238=)

Gene: POLE (DNA polymerase epsilon, catalytic subunit; minus strand). Cytogenetic location: 12q24.33.
Variant type: single nucleotide variant.
Coding change: c.6714C>T on transcript NM_006231.4 (MANE Select); coding-DNA position 6714, C replaced by T.
Protein change: p.Cys2238=; no amino-acid change (cysteine 2238 retained).
Molecular consequence: synonymous variant.
Genome position (GRCh38, 1-based): chr12:132,624,938, G>A on the plus strand (C>T on the coding strand, the complement: POLE is on the minus strand). VCF-style: chr12-132624938-G-A. GRCh37 (hg19) VCF-style: chr12-133201524-G-A.
Identifiers: ClinVar variation 220909 (VCV000220909.28), dbSNP rs200082120, ClinGen allele CA349509.